The following is an entry in ClinVar:

ClinVar aggregate classification (germline): Uncertain significance. Review status: criteria provided, single submitter (1 of 4 stars). 2 submissions from 2 submitters: Uncertain significance (1). 1 of the submissions does not count toward it. Last evaluated 2018-01-13.

Conditions:
Microcephaly 4, primary, autosomal recessive. Identifiers: Orphanet 2512, MedGen C1858516, MONDO:0011437, OMIM 604321.
KNL1-related disorder. Also called: KNL1-related condition.

Allele frequency attached by ClinVar (database versions not stated): gnomAD exomes 0.00001 and 0.00002; ExAC 0.00002; gnomAD 0.00002; TOPMed 0.00003.
gnomAD v4.1: 20 of 1,613,800 alleles (0.0012%); highest among the groups gnomAD compares: Admixed American, 0.0067%; no homozygotes.

Submissions (2):

Illumina Laboratory Services, Illumina
Classification: Uncertain significance for Microcephaly 4, primary, autosomal recessive. Last evaluated: 2018-01-13. Review status: criteria provided, single submitter. Criteria: ICSL Variant Classification Criteria 13 December 2019. Collection method: clinical testing. Allele origin: germline.

PreventionGenetics, part of Exact Sciences
Classification: Likely benign for KNL1-related condition. Last evaluated: 2020-03-04. Review status: no assertion criteria provided. Collection method: clinical testing. Allele origin: germline. Not counted in ClinVar's aggregate classification.
Comment: This variant is classified as likely benign based on ACMG/AMP sequence variant interpretation guidelines (Richards et al. 2015 PMID: 25741868, with internal and published modifications).

NM_144508.5(KNL1):c.1560C>T (p.Leu520=)

Gene: KNL1 (kinetochore scaffold 1; plus strand). Cytogenetic location: 15q15.1.
Variant type: single nucleotide variant.
Coding change: c.1560C>T on transcript NM_144508.5 (MANE Select); coding-DNA position 1560, C replaced by T.
Protein change: p.Leu520=; no amino-acid change (leucine 520 retained).
Molecular consequence: synonymous variant.
Genome position (GRCh38, 1-based): chr15:40,621,824, C>T. VCF-style: chr15-40621824-C-T. GRCh37 (hg19) VCF-style: chr15-40914022-C-T.
Other names: c.1638C>T (NM_170589.4); c.1638C>T, p.Leu546= (NM_170589.5).
Identifiers: ClinVar variation 315847 (VCV000315847.7), dbSNP rs765012826, ClinGen allele CA7482692.